The following is an entry in ClinVar:

NM_002234.4(KCNA5):c.168G>A (p.Ala56=)

Gene: KCNA5 (potassium voltage-gated channel subfamily A member 5; plus strand). Cytogenetic location: 12p13.32.
Variant type: single nucleotide variant.
Coding change: c.168G>A on transcript NM_002234.4 (MANE Select); coding-DNA position 168, G replaced by A.
Protein change: p.Ala56=; no amino-acid change (alanine 56 retained).
Molecular consequence: synonymous variant.
Genome position (GRCh38, 1-based): chr12:5,044,315, G>A. VCF-style: chr12-5044315-G-A. GRCh37 (hg19) VCF-style: chr12-5153481-G-A.
Identifiers: ClinVar variation 4702456 (VCV004702456.1).

ClinVar aggregate classification (germline): Uncertain significance (1 of 4 stars; one submission).

Conditions:
Atrial fibrillation, familial, 7 (ATFB7). Identifiers: MedGen C2677106, MONDO:0012828, OMIM 612240.

Submission:

Labcorp Genetics (formerly Invitae), Labcorp
Classification: Uncertain significance for Atrial fibrillation, familial, 7. Last evaluated: 2025-05-26. Review status: criteria provided, single submitter. Criteria: Invitae Variant Classification Sherloc (09022015). Collection method: clinical testing. Allele origin: germline.
Comment: This sequence change affects codon 56 of the KCNA5 mRNA. It is a 'silent' change, meaning that it does not change the encoded amino acid sequence of the KCNA5 protein. This variant is not present in population databases (gnomAD no frequency). This variant has not been reported in the literature in individuals affected with KCNA5-related conditions. In summary, the available evidence is currently insufficient to determine the role of this variant in disease. Therefore, it has been classified as a Variant of Uncertain Significance.